The following is an entry in ClinVar:

ClinVar aggregate classification (germline): Uncertain significance. Review status: criteria provided, multiple submitters, no conflicts (2 of 4 stars). 2 submissions from 2 submitters: Uncertain significance (2). Last evaluated 2024-07-06.

Conditions:
Familial sleep-related hypermotor epilepsy. Also called: Autosomal Dominant Sleep-Related Hypermotor (Hyperkinetic) Epilepsy. Identifiers: Orphanet 98784, MedGen C3696898, MONDO:0000030.

Allele frequency attached by ClinVar (database versions not stated): gnomAD exomes 0.00001; TOPMed 0.00001; gnomAD 0.00001.
gnomAD v4.1: 17 of 1,614,076 alleles (0.0011%); highest among the groups gnomAD compares: Non-Finnish European, 0.0014%; no homozygotes.

Submissions (2):

Labcorp Genetics (formerly Invitae), Labcorp
Classification: Uncertain significance. Last evaluated: 2024-07-06. Review status: criteria provided, single submitter. Criteria: Invitae Variant Classification Sherloc (09022015). Collection method: clinical testing. Allele origin: germline.
Comment: This sequence change replaces valine, which is neutral and non-polar, with aspartic acid, which is acidic and polar, at codon 324 of the CHRNA2 protein (p.Val324Asp). This variant is not present in population databases (gnomAD no frequency). This variant has not been reported in the literature in individuals affected with CHRNA2-related conditions. ClinVar contains an entry for this variant (Variation ID: 1710757). Advanced modeling of protein sequence and biophysical properties (such as structural, functional, and spatial information, amino acid conservation, physicochemical variation, residue mobility, and thermodynamic stability) performed at Invitae indicates that this missense variant is expected to disrupt CHRNA2 protein function with a positive predictive value of 80%. In summary, the available evidence is currently insufficient to determine the role of this variant in disease. Therefore, it has been classified as a Variant of Uncertain Significance.

GeneDx
Classification: Uncertain significance. Last evaluated: 2022-04-12. Review status: criteria provided, single submitter. Criteria: GeneDx Variant Classification Process June 2021. Collection method: clinical testing. Allele origin: germline. Affected: yes.
Comment: Not observed at significant frequency in large population cohorts (gnomAD); In silico analysis supports that this missense variant has a deleterious effect on protein structure/function; Has not been previously published as pathogenic or benign to our knowledge

NM_000742.4(CHRNA2):c.971T>A (p.Val324Asp)

Gene: CHRNA2 (cholinergic receptor nicotinic alpha 2 subunit; minus strand). Cytogenetic location: 8p21.2.
Variant type: single nucleotide variant.
Coding change: c.971T>A on transcript NM_000742.4 (MANE Select); coding-DNA position 971, T replaced by A.
Protein change: p.Val324Asp; replaces valine 324 with aspartic acid.
Molecular consequence: missense variant.
Genome position (GRCh38, 1-based): chr8:27,463,472, A>T on the plus strand (T>A on the coding strand, the complement: CHRNA2 is on the minus strand). VCF-style: chr8-27463472-A-T. GRCh37 (hg19) VCF-style: chr8-27320989-A-T.
Other names: c.926T>A, p.Val309Asp (NM_001282455.2); c.494T>A, p.Val165Asp (NM_001347705.2, NM_001347706.2); c.377T>A, p.Val126Asp (NM_001347707.2, NM_001347708.2); short protein forms V126D, V165D, V309D, V324D.
Identifiers: ClinVar variation 1710757 (VCV001710757.7), dbSNP rs1391683489, ClinGen allele CA370810047.